The following is an entry in ClinVar:

ClinVar aggregate classification (germline): Uncertain significance (1 of 4 stars; one submission).

Allele frequency attached by ClinVar (database versions not stated): gnomAD exomes below 0.00001; gnomAD 0.00001; TOPMed 0.00001.
gnomAD v4.1: 25 of 1,613,830 alleles (0.0015%); highest among the groups gnomAD compares: Non-Finnish European, 0.002%; no homozygotes.

Submission:

Labcorp Genetics (formerly Invitae), Labcorp
Classification: Uncertain significance. Last evaluated: 2022-09-03. Review status: criteria provided, single submitter. Criteria: Invitae Variant Classification Sherloc (09022015). Collection method: clinical testing. Allele origin: germline.
Comment: This variant is present in population databases (no rsID available, gnomAD 0.0009%). In summary, the available evidence is currently insufficient to determine the role of this variant in disease. Therefore, it has been classified as a Variant of Uncertain Significance. Algorithms developed to predict the effect of missense changes on protein structure and function (SIFT, PolyPhen-2, Align-GVGD) all suggest that this variant is likely to be tolerated. ClinVar contains an entry for this variant (Variation ID: 965389). This variant has not been reported in the literature in individuals affected with SLC7A14-related conditions. This sequence change replaces arginine, which is basic and polar, with glycine, which is neutral and non-polar, at codon 372 of the SLC7A14 protein (p.Arg372Gly).

NM_020949.3(SLC7A14):c.1114A>G (p.Arg372Gly)

Genes: SLC7A14 (solute carrier family 7 member 14; minus strand), SLC7A14-AS1 (SLC7A14 antisense RNA 1; plus strand). Cytogenetic location: 3q26.2.
Variant type: single nucleotide variant.
Coding change: c.1114A>G on transcript NM_020949.3 (MANE Select); coding-DNA position 1114, A replaced by G.
Protein change: p.Arg372Gly; replaces arginine 372 with glycine.
Molecular consequence: missense variant.
Genome position (GRCh38, 1-based): chr3:170,483,315, T>C on the plus strand (A>G on the coding strand, the complement: SLC7A14 is on the minus strand). VCF-style: chr3-170483315-T-C. GRCh37 (hg19) VCF-style: chr3-170201104-T-C.
Other names: short protein forms R372G.
Identifiers: ClinVar variation 965389 (VCV000965389.9), dbSNP rs1350360688, ClinGen allele CA355491811.